The following is an entry in ClinVar:

NM_001393392.1(AKR1C2):c.720C>A (p.Val240=)

Gene: AKR1C2 (aldo-keto reductase family 1 member C2; minus strand). Cytogenetic location: 10p15.1.
Variant type: single nucleotide variant.
Coding change: c.720C>A on transcript NM_001393392.1 (MANE Select); coding-DNA position 720, C replaced by A.
Protein change: p.Val240=; no amino-acid change (valine 240 retained).
Molecular consequence: synonymous variant.
Genome position (GRCh38, 1-based): chr10:4,995,445, G>T on the plus strand (C>A on the coding strand, the complement: AKR1C2 is on the minus strand). VCF-style: chr10-4995445-G-T. GRCh37 (hg19) VCF-style: chr10-5037637-G-T.
Other names: c.642C>A, p.Val214= (NM_001321027.2); c.720C>A, p.Val240= (NM_001354.6, NM_205845.3).
Identifiers: ClinVar variation 3031291 (VCV003031291.2), dbSNP rs1554772823, ClinGen allele CA468167272.

ClinVar aggregate classification (germline): Likely benign (0 of 4 stars; one submission).

Conditions:
AKR1C2-related disorder. Also called: AKR1C2-related condition.

Allele frequency attached by ClinVar (database versions not stated): gnomAD exomes 0.00001; TOPMed 0.00002.

Submission:

PreventionGenetics, part of Exact Sciences
Classification: Likely benign for AKR1C2-related condition. Last evaluated: 2022-08-24. Review status: no assertion criteria provided. Collection method: clinical testing. Allele origin: germline.
Comment: This variant is classified as likely benign based on ACMG/AMP sequence variant interpretation guidelines (Richards et al. 2015 PMID: 25741868, with internal and published modifications).